The following is an entry in ClinVar:

NM_000057.4(BLM):c.1103T>C (p.Leu368Ser)

Gene: BLM (BLM RecQ like helicase; plus strand). Cytogenetic location: 15q26.1.
Variant type: single nucleotide variant.
Coding change: c.1103T>C on transcript NM_000057.4 (MANE Select); coding-DNA position 1103, T replaced by C.
Protein change: p.Leu368Ser; replaces leucine 368 with serine.
Molecular consequence: missense variant. On other transcripts: 5 prime UTR variant (1).
Genome position (GRCh38, 1-based): chr15:90,760,162, T>C. VCF-style: chr15-90760162-T-C. GRCh37 (hg19) VCF-style: chr15-91303392-T-C.
Other names: c.1103T>C, p.Leu368Ser (NM_001287246.2, NM_001287247.2); c.-23T>C (NM_001287248.2); short protein forms L368S.
Identifiers: ClinVar variation 1793113 (VCV001793113.3), dbSNP rs2151157176, ClinGen allele CA393842313.

ClinVar aggregate classification (germline): Uncertain significance (1 of 4 stars; one submission).

Conditions:
Hereditary cancer-predisposing syndrome. Also called: Tumor predisposition; Hereditary Cancer Syndrome; Neoplastic Syndromes, Hereditary; Hereditary neoplastic syndrome. Identifiers: Orphanet 140162, MedGen C0027672, MeSH D009386, MONDO:0015356.

Submission:

Ambry Genetics
Classification: Uncertain significance for Hereditary cancer-predisposing syndrome. Last evaluated: 2025-09-13. Review status: criteria provided, single submitter. Criteria: Ambry Variant Classification Scheme 2023. Collection method: clinical testing. Allele origin: germline.
Comment: The p.L368S variant (also known as c.1103T>C), located in coding exon 5 of the BLM gene, results from a T to C substitution at nucleotide position 1103. The leucine at codon 368 is replaced by serine, an amino acid with dissimilar properties. This amino acid position is conserved. In addition, this alteration is predicted to be tolerated by in silico analysis. Since supporting evidence is limited at this time, the clinical significance of this alteration remains unclear.